The following is an entry in ClinVar:

NM_022482.5(GZF1):c.526G>C (p.Gly176Arg)

Gene: GZF1 (GDNF inducible zinc finger protein 1; plus strand). Cytogenetic location: 20p11.21.
Variant type: single nucleotide variant.
Coding change: c.526G>C on transcript NM_022482.5 (MANE Select); coding-DNA position 526, G replaced by C.
Protein change: p.Gly176Arg; replaces glycine 176 with arginine.
Molecular consequence: missense variant.
Genome position (GRCh38, 1-based): chr20:23,364,909, G>C. VCF-style: chr20-23364909-G-C. GRCh37 (hg19) VCF-style: chr20-23345546-G-C.
Other names: c.526G>C, p.Gly176Arg (NM_001317012.2, NM_001317019.1); short protein forms G176R.
Identifiers: ClinVar variation 1498427 (VCV001498427.6), dbSNP rs774906859, ClinGen allele CA408409752.

ClinVar aggregate classification (germline): Uncertain significance (1 of 4 stars; one submission).

gnomAD v4.1: 5 of 1,614,216 alleles (0.00031%); highest among the groups gnomAD compares: Non-Finnish European, 0.00042%; no homozygotes.

Submission:

Labcorp Genetics (formerly Invitae), Labcorp
Classification: Uncertain significance. Last evaluated: 2020-12-28. Review status: criteria provided, single submitter. Criteria: Invitae Variant Classification Sherloc (09022015). Collection method: clinical testing. Allele origin: germline.
Comment: This sequence change replaces glycine with arginine at codon 176 of the GZF1 protein (p.Gly176Arg). The glycine residue is weakly conserved and there is a moderate physicochemical difference between glycine and arginine. In summary, the available evidence is currently insufficient to determine the role of this variant in disease. Therefore, it has been classified as a Variant of Uncertain Significance. Algorithms developed to predict the effect of missense changes on protein structure and function are either unavailable or do not agree on the potential impact of this missense change (SIFT: "Not Available"; PolyPhen-2: "Benign"; Align-GVGD: "Not Available"). This variant has not been reported in the literature in individuals with GZF1-related conditions. This variant is not present in population databases (ExAC no frequency).